The following is an entry in ClinVar:

ClinVar aggregate classification (germline): Likely benign (1 of 4 stars; one submission).

Allele frequency attached by ClinVar (database versions not stated): gnomAD 0.01189 and 0.01263; TOPMed 0.01308; 1000 Genomes Project 0.01677; 1000 Genomes Project 30x 0.01702.
gnomAD v4.1: 1,789 of 152,330 alleles (1.2%); highest among the groups gnomAD compares: African/African-American, 4.1%; 42 homozygotes.

Submission:

GeneDx
Classification: Likely benign. Last evaluated: 2018-06-14. Review status: criteria provided, single submitter. Criteria: GeneDx Variant Classification (06012015). Collection method: clinical testing. Allele origin: germline. Affected: yes.
Comment: This variant is considered likely benign or benign based on one or more of the following criteria: it is a conservative change, it occurs at a poorly conserved position in the protein, it is predicted to be benign by multiple in silico algorithms, and/or has population frequency not consistent with disease.

NM_014236.4(GNPAT):c.2000-264G>A

Gene: GNPAT (glyceronephosphate O-acyltransferase; plus strand). Cytogenetic location: 1q42.2.
Variant type: single nucleotide variant.
Coding change: c.2000-264G>A on transcript NM_014236.4 (MANE Select); 264 bases into the intron before coding-DNA position 2000, G replaced by A.
Molecular consequence: intron variant.
Genome position (GRCh38, 1-based): chr1:231,277,235, G>A. VCF-style: chr1-231277235-G-A. GRCh37 (hg19) VCF-style: chr1-231412981-G-A.
Other names: c.1817-264G>A (NM_001316350.2).
Identifiers: ClinVar variation 673076 (VCV000673076.1), dbSNP rs13374978, ClinGen allele CA38941416.